The following is an entry in ClinVar:

NM_001330288.2(SMARCC2):c.1130T>A (p.Met377Lys)

Gene: SMARCC2 (SWI/SNF related, matrix associated, actin dependent regulator of chromatin subfamily c member 2; minus strand). Cytogenetic location: 12q13.2.
Variant type: single nucleotide variant.
Coding change: c.1130T>A on transcript NM_001330288.2 (MANE Select); coding-DNA position 1130, T replaced by A.
Protein change: p.Met377Lys; replaces methionine 377 with lysine.
Molecular consequence: missense variant.
Genome position (GRCh38, 1-based): chr12:56,179,008, A>T on the plus strand (T>A on the coding strand, the complement: SMARCC2 is on the minus strand). VCF-style: chr12-56179008-A-T. GRCh37 (hg19) VCF-style: chr12-56572792-A-T.
Other names: c.1130T>A, p.Met377Lys (NM_001130420.3, NM_003075.5, NM_139067.4); short protein forms M377K.
Identifiers: ClinVar variation 1315078 (VCV001315078.2), dbSNP rs1418292846, ClinGen allele CA385350621.

ClinVar aggregate classification (germline): Uncertain significance (1 of 4 stars; one submission).

Allele frequency attached by ClinVar (database versions not stated): gnomAD exomes below 0.00001; TOPMed below 0.00001.
gnomAD v4.1: 1 of 1,614,156 alleles (0.000062%); highest among the groups gnomAD compares: Non-Finnish European, 0.000085%; no homozygotes.

Submission:

GeneDx
Classification: Uncertain significance. Last evaluated: 2020-01-31. Review status: criteria provided, single submitter. Criteria: GeneDx Variant Classification Process June 2021. Collection method: clinical testing. Allele origin: germline. Affected: yes.
Comment: In silico analysis supports that this missense variant has a deleterious effect on protein structure/function; Has not been previously published as pathogenic or benign to our knowledge